The following is an entry in ClinVar:

NM_000059.4(BRCA2):c.3721_3727del (p.Phe1241fs)

Gene: BRCA2 (BRCA2 DNA repair associated; plus strand). Cytogenetic location: 13q13.1.
Variant type: Deletion.
Coding change: c.3721_3727del on transcript NM_000059.4 (MANE Select); coding-DNA positions 3721 to 3727, 7 bases deleted (TTTAGTG; older notation c.3721_3727delTTTAGTG).
Protein change: p.Phe1241fs; shifts the reading frame from phenylalanine 1241.
Molecular consequence: frameshift variant. On other transcripts: non-coding transcript variant (1), intron variant (2).
Genome position (GRCh38, 1-based): chr13:32,338,076-32,338,082, TTTAGTG deleted; deleting any 7 consecutive bases within chr13:32,338,074-32,338,082 gives the same sequence; the c. name uses the placement nearest the transcript's 3' end. VCF-style (leftmost placement, unchanged base first): chr13-32338073-CTGTTTAG-C. GRCh37 (hg19) VCF-style: chr13-32912210-CTGTTTAG-C.
Other names: c.3721_3727del, p.Phe1241fs (NM_001406719.1, NM_001406720.1, NM_001432077.1); c.1909+4689_1909+4695del (NM_001406721.1); c.425-6482_425-6476del (NM_001406722.1); short protein forms F1241fs.
Identifiers: ClinVar variation 3727738 (VCV003727738.3).
Genomic context (GRCh38, chr13:32,338,073, plus strand): 5'-TATTCTGCTCATGGCACAAAACTGAATGTTTCTACTGAAGCTCTGCAAAAAGCTGTGAAA[CTGTTTAG>C]TGATATTGAGAATATTAGTGAGGAAACTTCTGCAGAGGTACATCCAATAAGTTTATCTTC-3'

ClinVar aggregate classification (germline): Pathogenic. Review status: criteria provided, multiple submitters, no conflicts (2 of 4 stars). 2 submissions from 2 submitters: Pathogenic (2). Last evaluated 2025-02-04.

Conditions:
Breast-ovarian cancer, familial, susceptibility to, 2 (BROVCA2). Also called: BRCA2 Hereditary Breast and Ovarian Cancer. Identifiers: Orphanet 145, MedGen C2675520, MONDO:0012933, OMIM 612555. Disease mechanism: loss of function.
Hereditary breast ovarian cancer syndrome. Also called: Breast and ovarian cancer; Hereditary breast and/or ovarian cancer syndrome; Hereditary breast and ovarian cancer syndrome; Hereditary breast and ovarian cancer; Hereditary breast and ovarian cancer syndrome (HBOC); BRCA1- and BRCA2-Associated Hereditary Breast and Ovarian Cancer. Identifiers: Orphanet 145, MedGen C0677776, MeSH D061325, MONDO:0003582. Disease mechanism: loss of function.

Submissions (2):

Myriad Genetics, Inc.
Classification: Pathogenic for Breast-ovarian cancer, familial, susceptibility to, 2. Last evaluated: 2025-02-04. Review status: criteria provided, single submitter. Criteria: Myriad Autosomal Dominant, Autosomal Recessive and X-Linked Classification Criteria (2023). Collection method: clinical testing. Allele origin: unknown.
Comment: This variant is considered pathogenic. This variant creates a frameshift predicted to result in premature protein truncation.

Labcorp Genetics (formerly Invitae), Labcorp
Classification: Pathogenic for Hereditary breast ovarian cancer syndrome. Last evaluated: 2024-12-22. Review status: criteria provided, single submitter. Criteria: Invitae Variant Classification Sherloc (09022015). Collection method: clinical testing. Allele origin: germline.
Comment: This sequence change creates a premature translational stop signal (p.Phe1241Ilefs*16) in the BRCA2 gene. It is expected to result in an absent or disrupted protein product. Loss-of-function variants in BRCA2 are known to be pathogenic (PMID: 20104584). This variant is not present in population databases (gnomAD no frequency). This variant has not been reported in the literature in individuals affected with BRCA2-related conditions. For these reasons, this variant has been classified as Pathogenic.

Literature cited by the submitters: PubMed 20104584 (cited by Labcorp Genetics (formerly Invitae), Labcorp).